The following is an entry in ClinVar:

NM_213599.3(ANO5):c.2478G>T (p.Trp826Cys)

Gene: ANO5 (anoctamin 5; plus strand). Cytogenetic location: 11p14.3.
Variant type: single nucleotide variant.
Coding change: c.2478G>T on transcript NM_213599.3 (MANE Select); coding-DNA position 2478, G replaced by T.
Protein change: p.Trp826Cys; replaces tryptophan 826 with cysteine.
Molecular consequence: missense variant.
Genome position (GRCh38, 1-based): chr11:22,276,157, G>T. VCF-style: chr11-22276157-G-T. GRCh37 (hg19) VCF-style: chr11-22297703-G-T.
Other names: NM_213599.3(ANO5):c.2478G>T; p.Trp826Cys; c.2475G>T, p.Trp825Cys (NM_001142649.2); short protein forms W826C, W825C.
Identifiers: ClinVar variation 304110 (VCV000304110.7), dbSNP rs886048124, ClinGen allele CA10634421.

ClinVar aggregate classification (germline): Uncertain significance. Review status: reviewed by expert panel (3 of 4 stars). 2 submissions from 2 submitters: Uncertain significance (1). 1 of the submissions does not count toward it. Last evaluated 2026-03-13.

Conditions:
Autosomal recessive limb-girdle muscular dystrophy. Identifiers: Orphanet 102015, MedGen C2931907, MONDO:0015152.
ANO5-Related Muscle Diseases. Identifiers: MedGen CN180644.

Allele frequency attached by ClinVar (database versions not stated): TOPMed 0.00001; gnomAD 0.00001.
gnomAD v4.1: 1 of 1,611,290 alleles (0.000062%); highest among the groups gnomAD compares: Non-Finnish European, 0.000085%; no homozygotes.

Submissions (2):

ClinGen Limb Girdle Muscular Dystrophy Variant Curation Expert Panel, ClinGen
Classification: Uncertain significance for Autosomal recessive limb-girdle muscular dystrophy. Last evaluated: 2026-03-13. Review status: reviewed by expert panel. Criteria: ClinGen LGMD VCEP ACMG Specifications ANO5 V2.0.0. Collection method: curation. Allele origin: germline. Inheritance: Autosomal recessive inheritance.
Comment: The NM_213599.3: c.2478G>T variant in ANO5 is a missense variant expected to cause the substitution of tryptophan with cysteine at position 826, p.(Trp826Cys). This variant has been identified in unconfirmed phase with a pathogenic ANO5 variant, c.692G>T p.(Gly231Val), in one individual with a clinical suspicion of LGMD (GRASP-LGMD Consortium internal data communication; PM3_Supporting, PP4). The Grpmax variant allele frequency in gnomAD v4.1.0 is 8.488e-7 (1/1178180 European (non-Finnish) alleles), which is less than the VCEP threshold of 0.0001 (PM2_Supporting). The computational predictor REVEL gives a score of 0.896, which exceeds the VCEP threshold of ≥0.70, evidence that correlates with impact to ANO5 function (PP3). In summary, there is currently insufficient evidence to determine the clinical significance of this variant and it is classified as a variant of uncertain significance for autosomal recessive limb girdle muscular dystrophy based on the ACMG/AMP criteria applied, as specified by the ClinGen LGMD VCEP (specifications version 2.0.0, 03/13/2026): PM3_Supporting, PP4, PM2_Supporting, PP3.

Illumina Laboratory Services, Illumina
Classification: Uncertain significance for ANO5-Related Muscle Diseases. Last evaluated: 2018-01-12. Review status: criteria provided, single submitter. Criteria: ICSL Variant Classification Criteria 13 December 2019. Collection method: clinical testing. Allele origin: germline. Not counted in ClinVar's aggregate classification.